The following is an entry in ClinVar:

NM_001009944.3(PKD1):c.8325G>A (p.Thr2775=)

Gene: PKD1 (polycystin 1, transient receptor potential channel interacting; minus strand). Cytogenetic location: 16p13.3.
Variant type: single nucleotide variant.
Coding change: c.8325G>A on transcript NM_001009944.3 (MANE Select); coding-DNA position 8325, G replaced by A.
Protein change: p.Thr2775=; no amino-acid change (threonine 2775 retained).
Molecular consequence: synonymous variant.
Genome position (GRCh38, 1-based): chr16:2,103,732, C>T on the plus strand (G>A on the coding strand, the complement: PKD1 is on the minus strand). VCF-style: chr16-2103732-C-T. GRCh37 (hg19) VCF-style: chr16-2153733-C-T.
Other names: c.8325G>A (NM_001009944.2); c.8325G>A, p.Thr2775= (NM_000296.4).
Identifiers: ClinVar variation 811777 (VCV000811777.10), dbSNP rs540387350, ClinGen allele CA7830562.

ClinVar aggregate classification (germline): Likely benign. Review status: criteria provided, multiple submitters, no conflicts (2 of 4 stars). 3 submissions from 3 submitters: Likely benign (3). Last evaluated 2026-09-04.

Conditions:
PKD1-related disorder. Also called: PKD1-related condition.
Polycystic kidney disease, adult type (PKD1). Also called: Polycystic Kidney Disease 1, Autosomal Dominant; Polycystic kidney disease 1; Polycystic kidney disease 1, severe; POLYCYSTIC KIDNEY DISEASE, ADULT, TYPE I; Polycystic Kidney, Autosomal Dominant; POLYCYSTIC KIDNEY DISEASE 1 WITH OR WITHOUT POLYCYSTIC LIVER DISEASE. Identifiers: MedGen C3149841, MONDO:0008263, OMIM 173900.

Allele frequency attached by ClinVar (database versions not stated): gnomAD 0.00006 and 0.00011; TOPMed 0.00009; gnomAD exomes 0.00021; ExAC 0.00023; 1000 Genomes Project 0.00040; 1000 Genomes Project 30x 0.00047.
gnomAD v4.1: 193 of 1,610,026 alleles (0.012%); highest among the groups gnomAD compares: South Asian, 0.15%; no homozygotes.

Submissions (3):

PreventionGenetics, part of Exact Sciences
Classification: Likely benign for PKD1-related condition. Last evaluated: 2026-09-04. Review status: criteria provided, single submitter. Criteria: ACMG Guidelines, 2015. Collection method: clinical testing. Allele origin: germline.
Comment: This variant is classified as likely benign based on ACMG/AMP sequence variant interpretation guidelines (Richards et al. 2015 PMID: 25741868, with internal and published modifications).

Blueprint Genetics
Classification: Likely benign. Last evaluated: 2024-08-20. Review status: criteria provided, single submitter. Criteria: ACMG Guidelines, 2015. Collection method: clinical testing. Allele origin: germline.

ARUP Laboratories, Molecular Genetics and Genomics, ARUP Laboratories
Classification: Likely benign for Polycystic kidney disease, adult type. Last evaluated: 2019-01-05. Review status: criteria provided, single submitter. Criteria: ARUP Molecular Germline Variant Investigation Process. Collection method: clinical testing. Allele origin: germline.